The following is an entry in ClinVar:

NM_005647.4(TBL1X):c.1015C>T (p.Arg339Ter)

Gene: TBL1X (transducin beta like 1 X-linked; plus strand). Cytogenetic location: Xp22.2.
Variant type: single nucleotide variant.
Coding change: c.1015C>T on transcript NM_005647.4 (MANE Select); coding-DNA position 1015, C replaced by T.
Protein change: p.Arg339Ter; replaces arginine 339 with a stop codon.
Molecular consequence: nonsense.
Genome position (GRCh38, 1-based): chrX:9,693,381, C>T. VCF-style: chrX-9693381-C-T. GRCh37 (hg19) VCF-style: chrX-9661421-C-T.
Other names: c.1015C>T, p.Arg339Ter (NM_001139466.1); c.862C>T, p.Arg288Ter (NM_001139467.1, NM_001139468.1); short protein forms R339*, R288*.
Identifiers: ClinVar variation 691491 (VCV000691491.2), dbSNP rs1601844140, ClinGen allele CA412001247.
Genomic context (GRCh38, chrX:9,693,381, plus strand): 5'-GGTAACCTGGCCAGCACCTTAGGCCAACATAAAGGCCCCATCTTTGCCTTGAAATGGAAC[C>T]GAAAGGGGAATTACATTTTGAGTGCTGGTGTAGACAAAGTGAGTATTAGCTGAAAATACA-3'

ClinVar aggregate classification (germline): Likely pathogenic. Review status: criteria provided, single submitter (1 of 4 stars). 2 submissions from 2 submitters: Likely pathogenic (1). 1 of the submissions does not count toward it. Last evaluated 2020-02-14.

Conditions:
Hypothyroidism, congenital, nongoitrous, 8. Identifiers: MedGen C5231395, MONDO:0026731, OMIM 301033.

Allele frequency attached by ClinVar (database versions not stated): gnomAD exomes below 0.00001.
gnomAD v4.1: 1 of 1,209,826 alleles (0.000083%); highest among the groups gnomAD compares: Non-Finnish European, 0.00011%; no homozygotes.

Submissions (2):

SIB Swiss Institute of Bioinformatics
Classification: Likely pathogenic for Hypothyroidism, congenital, nongoitrous, 8. Last evaluated: 2020-02-14. Review status: criteria provided, single submitter. Criteria: ACMG Guidelines, 2015. Collection method: curation. Allele origin: unknown.
Comment: This variant is interpreted as likely pathogenic for Hypothyroidism, congenital, non-goitrous, 8, X-linked. The following ACMG Tag(s) were applied: PM2, PM6, PVS1-Strong.

OMIM
Classification: Pathogenic for HYPOTHYROIDISM, CONGENITAL, NONGOITROUS, 8. Last evaluated: 2019-09-26. Review status: no assertion criteria provided. Collection method: literature only. Allele origin: germline. Not counted in ClinVar's aggregate classification.

Literature cited by the submitters: PubMed 30591955 (cited by SIB Swiss Institute of Bioinformatics and OMIM).